The following is an entry in ClinVar:

NM_006662.3(SRCAP):c.7936G>A (p.Val2646Met)

Gene: SRCAP (Snf2 related CREBBP activator protein; plus strand). Cytogenetic location: 16p11.2.
Variant type: single nucleotide variant.
Coding change: c.7936G>A on transcript NM_006662.3 (MANE Select); coding-DNA position 7936, G replaced by A.
Protein change: p.Val2646Met; replaces valine 2646 with methionine.
Molecular consequence: missense variant.
Genome position (GRCh38, 1-based): chr16:30,737,976, G>A. VCF-style: chr16-30737976-G-A. GRCh37 (hg19) VCF-style: chr16-30749297-G-A.
Other names: short protein forms V2646M.
Identifiers: ClinVar variation 2646407 (VCV002646407.25), dbSNP rs2053177432, ClinGen allele CA395635126.

ClinVar aggregate classification (germline): Uncertain significance. Review status: criteria provided, multiple submitters, no conflicts (2 of 4 stars). 2 submissions from 2 submitters: Uncertain significance (2). Last evaluated 2025-05-30.

Allele frequency attached by ClinVar (database versions not stated): gnomAD exomes below 0.00001; TOPMed below 0.00001.
gnomAD v4.1: 1 of 1,614,122 alleles (0.000062%); highest among the groups gnomAD compares: Non-Finnish European, 0.000085%; no homozygotes.

Submissions (2):

Revvity Omics, Revvity
Classification: Uncertain significance. Last evaluated: 2025-05-30. Review status: criteria provided, single submitter. Criteria: ACMG Guidelines, 2015. Collection method: clinical testing. Allele origin: germline.

CeGaT Center for Human Genetics Tuebingen
Classification: Uncertain significance. Last evaluated: 2022-05-01. Review status: criteria provided, single submitter. Criteria: CeGaT Center For Human Genetics Tuebingen Variant Classification Criteria Version 2. Collection method: clinical testing. Allele origin: germline. Affected: yes. Observed: 1 variant allele.
Comment: SRCAP: PM2, BP4